The following is an entry in ClinVar:

NM_017617.5(NOTCH1):c.461A>G (p.Gln154Arg)

Gene: NOTCH1 (notch receptor 1; minus strand). Cytogenetic location: 9q34.3.
Variant type: single nucleotide variant.
Coding change: c.461A>G on transcript NM_017617.5 (MANE Select); coding-DNA position 461, A replaced by G.
Protein change: p.Gln154Arg; replaces glutamine 154 with arginine.
Molecular consequence: missense variant.
Genome position (GRCh38, 1-based): chr9:136,523,131, T>C on the plus strand (A>G on the coding strand, the complement: NOTCH1 is on the minus strand). VCF-style: chr9-136523131-T-C. GRCh37 (hg19) VCF-style: chr9-139417583-T-C.
Other names: short protein forms Q154R.
Identifiers: ClinVar variation 1741939 (VCV001741939.6), dbSNP rs767262358, ClinGen allele CA5342146.
Genomic context (GRCh38, chr9:136,523,131, plus strand): 5'-GTGGGGCCATGGAAGCTGGGTGGGCAGTGGCAGATGTAGGAGGCCTCGAAGGGCAGGCAC[T>C]GGCCACCGTTGGCGCAGGGGTTGGAGGCGCACGGGTCAGCCTGCTGGCACGATTTCCCTG-3'
Protein context (NP_060087.3, residues 144-164): CASNPCANGG[Gln154Arg]CLPFEASYIC

ClinVar aggregate classification (germline): Conflicting classifications of pathogenicity. Review status: criteria provided, conflicting classifications (1 of 4 stars). 2 submissions from 2 submitters: Uncertain significance (1); Benign (1). Last evaluated 2025-10-07.

Conditions:
Adams-Oliver syndrome 5 (AOS5). Identifiers: Orphanet 974, MedGen C4014970, MONDO:0014459, OMIM 616028.
Familial thoracic aortic aneurysm and aortic dissection (TAAD). Also called: Thoracic aortic aneurysms and dissections. Identifiers: Orphanet 91387, MedGen C4707243, MONDO:0019625.

Allele frequency attached by ClinVar (database versions not stated): gnomAD exomes 0.00001; TOPMed 0.00001; ExAC 0.00002.
gnomAD v4.1: 4 of 1,604,798 alleles (0.00025%); highest among the groups gnomAD compares: Admixed American, 0.0068%; no homozygotes.

Submissions (2):

Labcorp Genetics (formerly Invitae), Labcorp
Classification: Benign for Adams-Oliver syndrome 5. Last evaluated: 2025-10-07. Review status: criteria provided, single submitter. Criteria: Invitae Variant Classification Sherloc (09022015). Collection method: clinical testing. Allele origin: germline.

Ambry Genetics
Classification: Uncertain significance for Familial thoracic aortic aneurysm and aortic dissection. Last evaluated: 2025-06-30. Review status: criteria provided, single submitter. Criteria: Ambry Variant Classification Scheme 2023. Collection method: clinical testing. Allele origin: germline.
Comment: The p.Q154R variant (also known as c.461A>G), located in coding exon 4 of the NOTCH1 gene, results from an A to G substitution at nucleotide position 461. The glutamine at codon 154 is replaced by arginine, an amino acid with highly similar properties. This amino acid position is conserved. In addition, this alteration is predicted to be tolerated by in silico analysis. Since supporting evidence is limited at this time, the clinical significance of this alteration remains unclear.